The following is an entry in ClinVar:

ClinVar aggregate classification (germline): Uncertain significance. Review status: criteria provided, multiple submitters, no conflicts (2 of 4 stars). 3 submissions from 3 submitters: Uncertain significance (3). Last evaluated 2025-01-30.

Conditions:
Inborn genetic diseases. Identifiers: MedGen C0950123, MeSH D030342.
Lafora disease. Also called: Epilepsy progressive myoclonic 2. Identifiers: Orphanet 501, MedGen C0751783, MONDO:0009697.

Allele frequency attached by ClinVar (database versions not stated): gnomAD exomes below 0.00001; ExAC 0.00001; gnomAD 0.00001 and 0.00002; TOPMed 0.00010; 1000 Genomes Project 0.00020; 1000 Genomes Project 30x 0.00031.

Submissions (3):

GeneDx
Classification: Uncertain significance. Last evaluated: 2025-01-30. Review status: criteria provided, single submitter. Criteria: GeneDx Variant Classification Process June 2021. Collection method: clinical testing. Allele origin: germline. Affected: yes.
Comment: Not observed at significant frequency in large population cohorts (gnomAD); In silico analysis indicates that this missense variant does not alter protein structure/function; Has not been previously published as pathogenic or benign to our knowledge

Ambry Genetics
Classification: Uncertain significance for Inborn genetic diseases. Last evaluated: 2024-04-04. Review status: criteria provided, single submitter. Criteria: Ambry Variant Classification Scheme 2023. Collection method: clinical testing. Allele origin: germline.

Labcorp Genetics (formerly Invitae), Labcorp
Classification: Uncertain significance for Lafora disease. Last evaluated: 2022-06-13. Review status: criteria provided, single submitter. Criteria: Invitae Variant Classification Sherloc (09022015). Collection method: clinical testing. Allele origin: germline.
Comment: This sequence change replaces phenylalanine, which is neutral and non-polar, with leucine, which is neutral and non-polar, at codon 204 of the NHLRC1 protein (p.Phe204Leu). This variant is present in population databases (rs201058506, gnomAD 0.003%). This variant has not been reported in the literature in individuals affected with NHLRC1-related conditions. ClinVar contains an entry for this variant (Variation ID: 589056). Algorithms developed to predict the effect of missense changes on protein structure and function output the following: SIFT: "Tolerated"; PolyPhen-2: "Benign"; Align-GVGD: "Class C0". The leucine amino acid residue is found in multiple mammalian species, which suggests that this missense change does not adversely affect protein function. In summary, the available evidence is currently insufficient to determine the role of this variant in disease. Therefore, it has been classified as a Variant of Uncertain Significance.

NM_198586.3(NHLRC1):c.612T>G (p.Phe204Leu)

Gene: NHLRC1 (NHL repeat containing E3 ubiquitin protein ligase 1; minus strand). Cytogenetic location: 6p22.3.
Variant type: single nucleotide variant.
Coding change: c.612T>G on transcript NM_198586.3 (MANE Select); coding-DNA position 612, T replaced by G.
Protein change: p.Phe204Leu; replaces phenylalanine 204 with leucine.
Molecular consequence: missense variant.
Genome position (GRCh38, 1-based): chr6:18,121,995, A>C on the plus strand (T>G on the coding strand, the complement: NHLRC1 is on the minus strand). VCF-style: chr6-18121995-A-C. GRCh37 (hg19) VCF-style: chr6-18122226-A-C.
Other names: short protein forms F204L.
Identifiers: ClinVar variation 589056 (VCV000589056.16), dbSNP rs201058506, ClinGen allele CA3649971.